The following is an entry in ClinVar:

ClinVar aggregate classification (germline): Uncertain significance (1 of 4 stars; one submission).

Conditions:
Dyskeratosis congenita, autosomal dominant 2. Identifiers: MedGen C3151443, MONDO:0013521, OMIM 613989.
Idiopathic Pulmonary Fibrosis. Also called: Idiopathic fibrosing alveolitis, chronic form; idiopathic fibrosing alveolitis. Identifiers: Orphanet 2032, MedGen C1800706, MeSH D054990, MONDO:0800504.

Submission:

Labcorp Genetics (formerly Invitae), Labcorp
Classification: Uncertain significance for Dyskeratosis congenita, autosomal dominant 2; Idiopathic Pulmonary Fibrosis. Last evaluated: 2022-06-02. Review status: criteria provided, single submitter. Criteria: Invitae Variant Classification Sherloc (09022015). Collection method: clinical testing. Allele origin: germline.
Comment: In summary, the available evidence is currently insufficient to determine the role of this variant in disease. Therefore, it has been classified as a Variant of Uncertain Significance. Advanced modeling of protein sequence and biophysical properties (such as structural, functional, and spatial information, amino acid conservation, physicochemical variation, residue mobility, and thermodynamic stability) performed at Invitae indicates that this missense variant is expected to disrupt TERT protein function. ClinVar contains an entry for this variant (Variation ID: 855895). This variant has not been reported in the literature in individuals affected with TERT-related conditions. This variant is not present in population databases (gnomAD no frequency). This sequence change replaces leucine, which is neutral and non-polar, with valine, which is neutral and non-polar, at codon 77 of the TERT protein (p.Leu77Val).

NM_198253.3(TERT):c.229C>G (p.Leu77Val)

Genes: TERT (telomerase reverse transcriptase; minus strand), LOC110806263 (TERT 5' regulatory region; plus strand). Cytogenetic location: 5p15.33.
Variant type: single nucleotide variant.
Coding change: c.229C>G on transcript NM_198253.3 (MANE Select); coding-DNA position 229, C replaced by G.
Protein change: p.Leu77Val; replaces leucine 77 with valine.
Molecular consequence: missense variant. On other transcripts: non-coding transcript variant (2).
Genome position (GRCh38, 1-based): chr5:1,294,657, G>C on the plus strand (C>G on the coding strand, the complement: TERT is on the minus strand). VCF-style: chr5-1294657-G-C. GRCh37 (hg19) VCF-style: chr5-1294772-G-C.
Other names: c.229C>G, p.Leu77Val (NM_001193376.3); short protein forms L77V.
Identifiers: ClinVar variation 855895 (VCV000855895.10), dbSNP rs1751271727, ClinGen allele CA359058712.